The following is an entry in ClinVar:

ClinVar aggregate classification (germline): Pathogenic. Review status: criteria provided, multiple submitters, no conflicts (2 of 4 stars). 2 submissions from 2 submitters: Pathogenic (2). Last evaluated 2024-11-04.

Submissions (2):

Labcorp Genetics (formerly Invitae), Labcorp
Classification: Pathogenic. Last evaluated: 2024-11-04. Review status: criteria provided, single submitter. Criteria: Invitae Variant Classification Sherloc (09022015). Collection method: clinical testing. Allele origin: germline.
Comment: This sequence change creates a premature translational stop signal (p.Ser930Alafs*3) in the CUL7 gene. It is expected to result in an absent or disrupted protein product. Loss-of-function variants in CUL7 are known to be pathogenic (PMID: 16142236, 17675530, 19225462). This variant is present in population databases (no rsID available, gnomAD 0.01%). This variant has not been reported in the literature in individuals affected with CUL7-related conditions. ClinVar contains an entry for this variant (Variation ID: 288357). For these reasons, this variant has been classified as Pathogenic.

Eurofins Ntd Llc (ga)
Classification: Pathogenic. Last evaluated: 2016-06-15. Review status: criteria provided, single submitter. Criteria: EGL Classification Definitions 2015. Collection method: clinical testing. Allele origin: germline. Observed: 1 variant allele, 1 heterozygote.

Literature cited by the submitters: PubMed 16142236 (cited by Labcorp Genetics (formerly Invitae), Labcorp); PubMed 17675530 (cited by Labcorp Genetics (formerly Invitae), Labcorp); PubMed 19225462 (cited by Labcorp Genetics (formerly Invitae), Labcorp).

NM_014780.5(CUL7):c.2787del (p.Ser930fs)

Gene: CUL7 (cullin 7; minus strand). Cytogenetic location: 6p21.1.
Variant type: Deletion.
Coding change: c.2787del on transcript NM_014780.5 (MANE Select); coding-DNA position 2787, one base deleted (C; older notation c.2787delC).
Protein change: p.Ser930fs; shifts the reading frame from serine 930.
Molecular consequence: frameshift variant.
Genome position (GRCh38, 1-based): chr6:43,045,662, G deleted on the plus strand (C on the coding strand, the reverse complement: CUL7 is on the minus strand); the first of 2 consecutive G bases (chr6:43,045,662-43,045,663); deleting either gives the same sequence. VCF-style (leftmost placement, unchanged base first): chr6-43045661-TG-T. GRCh37 (hg19) VCF-style: chr6-43013399-TG-T.
Other names: c.2883del, p.Ser962fs (NM_001168370.2, NM_001374872.1); c.2787del, p.Ser930fs (NM_001374873.1, NM_001374874.1); short protein forms S930fs, S962fs.
Identifiers: ClinVar variation 288357 (VCV000288357.7), dbSNP rs886043872, ClinGen allele CA10606058.
Genomic context (GRCh38, chr6:43,045,661, plus strand): 5'-TTATGCGGATCTGGATGATGGGCCAGAAGCGGGTCAGGTTCTCCAGGAGGATCACCCGGC[TG>T]GCAGAGGGCATCACATTCACCTGGCAGGGGGCAGAGAAAGCTGTCACCTCCACACATGCA-3'